The following is an entry in ClinVar:

ClinVar aggregate classification (germline): Uncertain significance (1 of 4 stars; one submission).

Allele frequency attached by ClinVar (database versions not stated): gnomAD 0.00001; gnomAD exomes 0.00001; ExAC 0.00002.
gnomAD v4.1: 16 of 1,613,786 alleles (0.00099%); highest among the groups gnomAD compares: African/African-American, 0.0013%; no homozygotes.

Submission:

Labcorp Genetics (formerly Invitae), Labcorp
Classification: Uncertain significance. Last evaluated: 2025-08-18. Review status: criteria provided, single submitter. Criteria: Invitae Variant Classification Sherloc (09022015). Collection method: clinical testing. Allele origin: germline.
Comment: This sequence change replaces leucine, which is neutral and non-polar, with valine, which is neutral and non-polar, at codon 130 of the C3 protein (p.Leu130Val). This variant is present in population databases (rs766237138, gnomAD 0.007%). This variant has not been reported in the literature in individuals affected with C3-related conditions. ClinVar contains an entry for this variant (Variation ID: 1930744). Invitae Evidence Modeling of protein sequence and biophysical properties (such as structural, functional, and spatial information, amino acid conservation, physicochemical variation, residue mobility, and thermodynamic stability) indicates that this missense variant is not expected to disrupt C3 protein function with a negative predictive value of 80%. In summary, the available evidence is currently insufficient to determine the role of this variant in disease. Therefore, it has been classified as a Variant of Uncertain Significance.

NM_000064.4(C3):c.388C>G (p.Leu130Val)

Gene: C3 (complement C3; minus strand). Cytogenetic location: 19p13.3.
Variant type: single nucleotide variant.
Coding change: c.388C>G on transcript NM_000064.4 (MANE Select); coding-DNA position 388, C replaced by G.
Protein change: p.Leu130Val; replaces leucine 130 with valine.
Molecular consequence: missense variant.
Genome position (GRCh38, 1-based): chr19:6,718,292, G>C on the plus strand (C>G on the coding strand, the complement: C3 is on the minus strand). VCF-style: chr19-6718292-G-C. GRCh37 (hg19) VCF-style: chr19-6718303-G-C.
Other names: short protein forms L130V.
Identifiers: ClinVar variation 1930744 (VCV001930744.5), dbSNP rs766237138, ClinGen allele CA9129840.